The following is an entry in ClinVar:

ClinVar aggregate classification (germline): Pathogenic (1 of 4 stars; one submission).

Conditions:
Retinoblastoma (RB1). Also called: RETINOBLASTOMA, SOMATIC. Identifiers: Orphanet 790, MedGen C0035335, MeSH D012175, MONDO:0008380, OMIM 180200, HP:0009919. Disease mechanism: loss of function. Inheritance: Both sporadic and heritable forms are tested..

Submission:

St. Jude Molecular Pathology, St. Jude Children's Research Hospital
Classification: Pathogenic for Retinoblastoma. Last evaluated: 2024-07-17. Review status: criteria provided, single submitter. Criteria: St. Jude Assertion Criteria 2020. Collection method: clinical testing. Allele origin: germline. Affected: yes.
Comment: This variant is a gross deletion of the genomic region encompassing exons 4-27 of the RB1 gene. The 5' end is confined to intron 3. The 3' end of the deleted segment extends beyond the RB1 gene and encompasses other genes. This deletion is expected to result in an absent or disrupted protein product. Deletions of this region have been reported in individuals with retinoblastoma (PMID: 20090211, 29568217, internal data). In summary, this variant meets criteria to be classified as pathogenic.

NC_000013.10:g.48917101_(49056026_?)del

Variant type: Deletion.
Identifiers: ClinVar variation 3602691 (VCV003602691.1).